The following is an entry in ClinVar:

ClinVar aggregate classification (germline): Uncertain significance (1 of 4 stars; one submission).

gnomAD v4.1: 13 of 1,613,560 alleles (0.00081%); highest among the groups gnomAD compares: South Asian, 0.0044%; no homozygotes.

Submission:

GeneDx
Classification: Uncertain significance. Last evaluated: 2025-05-08. Review status: criteria provided, single submitter. Criteria: GeneDx Variant Classification Process June 2021. Collection method: clinical testing. Allele origin: germline. Affected: yes.
Comment: Not observed at significant frequency in large population cohorts (gnomAD); In silico analysis supports that this missense variant has a deleterious effect on protein structure/function; Has not been previously published as pathogenic or benign to our knowledge

NM_138694.4(PKHD1):c.8308A>G (p.Thr2770Ala)

Gene: PKHD1 (PKHD1 ciliary IPT domain containing fibrocystin/polyductin; minus strand). Cytogenetic location: 6p12.3.
Variant type: single nucleotide variant.
Coding change: c.8308A>G on transcript NM_138694.4 (MANE Select); coding-DNA position 8308, A replaced by G.
Protein change: p.Thr2770Ala; replaces threonine 2770 with alanine.
Molecular consequence: missense variant.
Genome position (GRCh38, 1-based): chr6:51,791,368, T>C on the plus strand (A>G on the coding strand, the complement: PKHD1 is on the minus strand). VCF-style: chr6-51791368-T-C. GRCh37 (hg19) VCF-style: chr6-51656166-T-C.
Other names: c.8308A>G, p.Thr2770Ala (NM_170724.3); short protein forms T2770A.
Identifiers: ClinVar variation 4526962 (VCV004526962.1).